The following is an entry in ClinVar:

NM_001370466.1(NOD2):c.139T>C (p.Phe47Leu)

Gene: NOD2 (nucleotide binding oligomerization domain containing 2; plus strand). Cytogenetic location: 16q12.1.
Variant type: single nucleotide variant.
Coding change: c.139T>C on transcript NM_001370466.1 (MANE Select); coding-DNA position 139, T replaced by C.
Protein change: p.Phe47Leu; replaces phenylalanine 47 with leucine.
Molecular consequence: missense variant. On other transcripts: non-coding transcript variant (1).
Genome position (GRCh38, 1-based): chr16:50,699,634, T>C. VCF-style: chr16-50699634-T-C. GRCh37 (hg19) VCF-style: chr16-50733545-T-C.
Other names: c.139T>C, p.Phe47Leu (NM_001293557.2); c.220T>C, p.Phe74Leu (NM_022162.3); short protein forms F47L, F74L.
Identifiers: ClinVar variation 3068617 (VCV003068617.1), dbSNP rs1290064937, ClinGen allele CA395865773.

ClinVar aggregate classification (germline): Uncertain significance (1 of 4 stars; one submission).

Conditions:
Blau syndrome (BLAUS). Also called: ARTHROCUTANEOUVEAL GRANULOMATOSIS; GRANULOMATOSIS, FAMILIAL JUVENILE SYSTEMIC; GRANULOMATOSIS, FAMILIAL, BLAU TYPE; GRANULOMATOUS INFLAMMATORY ARTHRITIS, DERMATITIS, AND UVEITIS, FAMILIAL; JABS SYNDROME. Identifiers: Orphanet 90340, MedGen C5201146, MONDO:0008523, OMIM 186580.

Allele frequency attached by ClinVar (database versions not stated): gnomAD exomes below 0.00001; TOPMed below 0.00001; gnomAD 0.00001.
gnomAD v4.1: 3 of 1,613,966 alleles (0.00019%); highest among the groups gnomAD compares: Non-Finnish European, 0.00025%; no homozygotes.

Submission:

Molecular Genetics, Royal Melbourne Hospital
Classification: Uncertain significance for Blau syndrome. Last evaluated: 2023-08-01. Review status: criteria provided, single submitter. Criteria: ACMG Guidelines, 2015. Collection method: clinical testing. Allele origin: germline. Inheritance: Autosomal dominant inheritance.
Comment: This sequence change in NOD2 is predicted to replace phenylalanine with leucine at codon 47, p.(Phe47Leu). The phenylalanine residue is weakly conserved (100 vertebrates, UCSC), and is located in CARD1 domain. There is a small physicochemical difference between phenylalanine and leucine. The highest population minor allele frequency in the population database gnomAD v3.1 is 0.001% (1/68022 alleles) in the European non-Finnish population. To our knowledge, this variant has not been previously reported in the relevant scientific literature or databases. Computational evidence predicts a benign effect for the missense substitution (REVEL = 0.039). Based on the classification scheme RMH Modified ACMG/AMP Guidelines v1.6.1, this variant is classified as a VARIANT OF UNCERTAIN SIGNIFICANCE. Following criteria are met: PM2_Supporting, BP4